The following is an entry in ClinVar:

ClinVar aggregate classification (germline): Pathogenic/Likely pathogenic. Review status: criteria provided, multiple submitters, no conflicts (2 of 4 stars). 2 submissions from 2 submitters: Pathogenic (1); Likely pathogenic (1). Last evaluated 2023-02-23.

Conditions:
Treacher Collins syndrome 1 (TCS1). Also called: TCOF1-Related Treacher Collins Syndrome. Identifiers: Orphanet 861, MedGen CN315775, MONDO:0007944, OMIM 154500.

Submissions (2):

3billion
Classification: Pathogenic for Treacher Collins syndrome 1. Last evaluated: 2023-02-23. Review status: criteria provided, single submitter. Criteria: ACMG Guidelines, 2015. Collection method: clinical testing. Allele origin: unknown. Affected: yes.
Comment: The variant is not observed in the gnomAD v2.1.1 dataset. This variant was predicted to result in a loss or disruption of normal protein function through nonsense-mediated decay (NMD) or protein truncation. Multiple pathogenic variants are reported downstream of the variant. The variant has been reported to be associated with TCOF1 related disorder (PMID: 22317976). Therefore, this variant is classified as Pathogenic according to the recommendation of ACMG/AMP guideline.

Medical Molecular Genetics Department, National Research Center
Classification: Likely pathogenic for Treacher Collins syndrome 1. Last evaluated: 2022-01-12. Review status: criteria provided, single submitter. Criteria: ACMG Guidelines, 2015. Collection method: clinical testing. Allele origin: germline. Affected: yes. Observed: 1 variant allele.

Literature cited by the submitters: PubMed 22317976 (cited by 3billion).

NM_001371623.1(TCOF1):c.4369_4372del (p.Glu1457fs)

Gene: TCOF1 (treacle ribosome biogenesis factor 1; plus strand). Cytogenetic location: 5q32.
Variant type: Deletion.
Coding change: c.4369_4372del on transcript NM_001371623.1 (MANE Select); coding-DNA positions 4369 to 4372, 4 bases deleted (GAAA; older notation c.4369_4372delGAAA).
Protein change: p.Glu1457fs; shifts the reading frame from glutamic acid 1457.
Molecular consequence: frameshift variant.
Genome position (GRCh38, 1-based): chr5:150,398,377-150,398,380, GAAA deleted; deleting any 4 consecutive bases within chr5:150,398,374-150,398,380 gives the same sequence; the c. name uses the placement nearest the transcript's 3' end. VCF-style (leftmost placement, unchanged base first): chr5-150398373-AAAAG-A. GRCh37 (hg19) VCF-style: chr5-149777936-AAAAG-A.
Other names: c.4135_4138del, p.Glu1379fs (NM_000356.4); c.4366_4369del, p.Glu1456fs (NM_001135243.2); c.4255_4258del, p.Glu1419fs (NM_001135244.2); c.4138_4141del, p.Glu1380fs (NM_001135245.2); c.4252_4255del, p.Glu1418fs (NM_001195141.2); short protein forms E1379fs, E1380fs, E1418fs, E1419fs, E1456fs, E1457fs.
Identifiers: ClinVar variation 1806836 (VCV001806836.3), dbSNP rs2534642231, ClinGen allele CA2580073900.